The following is an entry in ClinVar:

ClinVar aggregate classification (germline): Benign/Likely benign. Review status: criteria provided, multiple submitters, no conflicts (2 of 4 stars). 14 submissions from 13 submitters: Benign (11); Likely benign (1). 2 of the submissions do not count toward it. Last evaluated 2026-02-04.

Conditions:
Ehlers-Danlos syndrome, classic type, 1 (EDSCL1). Also called: Ehlers-Danlos syndrome, type 1; Ehlers-Danlos Syndrome, Classic Type, COL5A1-Related; EDS I; EHLERS-DANLOS SYNDROME, GRAVIS TYPE; EHLERS-DANLOS SYNDROME, SEVERE CLASSIC TYPE. Identifiers: MedGen C0268335, MONDO:0019567, OMIM 130000.
Fibromuscular dysplasia, multifocal. Identifiers: MedGen C5543412, MONDO:0859151, OMIM 619329.
Ehlers-Danlos syndrome (EDS). Identifiers: Orphanet 98249, MedGen C0013720, MONDO:0020066.

Allele frequency attached by ClinVar (database versions not stated): 1000 Genomes Project 0.01238; 1000 Genomes Project 30x 0.01296; TOPMed 0.02200; gnomAD 0.02617 and 0.02700; ESP Exome Variant Server 0.03048.
gnomAD v4.1: 55,159 of 1,601,504 alleles (3.4%); highest among the groups gnomAD compares: Non-Finnish European, 4.2%; 1,179 homozygotes.

Submissions (14):

Labcorp Genetics (formerly Invitae), Labcorp
Classification: Benign for Ehlers-Danlos syndrome, classic type, 1. Last evaluated: 2026-02-04. Review status: criteria provided, single submitter. Criteria: Invitae Variant Classification Sherloc (09022015). Collection method: clinical testing. Allele origin: germline.

ARUP Laboratories, Molecular Genetics and Genomics, ARUP Laboratories
Classification: Benign. Last evaluated: 2025-07-23. Review status: criteria provided, single submitter. Criteria: ARUP Molecular Germline Variant Investigation Process 2024. Collection method: clinical testing. Allele origin: germline.

Molecular Diagnostic Laboratory for Inherited Cardiovascular Disease, Montreal Heart Institute
Classification: Benign. Last evaluated: 2025-04-09. Review status: criteria provided, single submitter. Criteria: ACMG Guidelines, 2015. Collection method: clinical testing. Allele origin: germline. Affected: no.

Blueprint Genetics
Classification: Benign. Last evaluated: 2024-11-27. Review status: criteria provided, single submitter. Criteria: ACMG Guidelines, 2015. Collection method: clinical testing. Allele origin: germline.

Women's Health and Genetics/Laboratory Corporation of America, LabCorp
Classification: Benign. Last evaluated: 2023-04-10. Review status: criteria provided, single submitter. Criteria: LabCorp Variant Classification Summary - May 2015. Collection method: clinical testing. Allele origin: germline.

Genome Diagnostics Laboratory, The Hospital for Sick Children
Classification: Benign for Ehlers-Danlos syndrome. Last evaluated: 2022-05-20. Review status: criteria provided, single submitter. Criteria: ACMG Guidelines, 2015. Collection method: clinical testing. Allele origin: germline.

Genome-Nilou Lab
Classification: Benign for Ehlers-Danlos syndrome, classic type, 1. Last evaluated: 2022-03-15. Review status: criteria provided, single submitter. Criteria: ACMG Guidelines, 2015. Collection method: clinical testing. Allele origin: germline. Affected: no.

Genome-Nilou Lab
Classification: Benign for Fibromuscular dysplasia, multifocal. Last evaluated: 2022-03-15. Review status: criteria provided, single submitter. Criteria: ACMG Guidelines, 2015. Collection method: clinical testing. Allele origin: germline. Affected: no.

Mayo Clinic Laboratories, Mayo Clinic
Classification: Benign. Last evaluated: 2017-11-15. Review status: criteria provided, single submitter. Criteria: ACMG Guidelines, 2015. Collection method: clinical testing. Allele origin: germline. Observed: 362 variant alleles.

GeneDx
Classification: Benign. Last evaluated: 2012-11-29. Review status: criteria provided, single submitter. Criteria: GeneDx Variant Classification (06012015). Collection method: clinical testing. Allele origin: germline. Affected: yes.
Comment: This variant is considered likely benign or benign based on one or more of the following criteria: it is a conservative change, it occurs at a poorly conserved position in the protein, it is predicted to be benign by multiple in silico algorithms, and/or has population frequency not consistent with disease.

Breakthrough Genomics
Classification: Likely benign. Review status: criteria provided, single submitter. Criteria: ACMG Guidelines, 2015. Collection method: not provided. Allele origin: germline. Inheritance: Autosomal dominant inheritance. Affected: yes.

PreventionGenetics, part of Exact Sciences
Classification: Benign. Review status: criteria provided, single submitter. Criteria: ACMG Guidelines, 2015. Collection method: clinical testing. Allele origin: germline.

Clinical Genetics DNA and cytogenetics Diagnostics Lab, Erasmus MC, Erasmus Medical Center
Classification: Benign. Review status: no assertion criteria provided. Collection method: clinical testing. Allele origin: germline. Affected: yes. Study: VKGL Data-share Consensus. Not counted in ClinVar's aggregate classification.

Genome Diagnostics Laboratory, Amsterdam University Medical Center
Classification: Benign. Review status: no assertion criteria provided. Collection method: clinical testing. Allele origin: germline. Affected: yes. Study: VKGL Data-share Consensus. Not counted in ClinVar's aggregate classification.

NM_000093.5(COL5A1):c.4230+6G>A

Gene: COL5A1 (collagen type V alpha 1 chain; plus strand). Cytogenetic location: 9q34.3.
Variant type: single nucleotide variant.
Coding change: c.4230+6G>A on transcript NM_000093.5 (MANE Select); 6 bases into the intron after coding-DNA position 4230, G replaced by A.
Molecular consequence: intron variant.
Genome position (GRCh38, 1-based): chr9:134,817,837, G>A. VCF-style: chr9-134817837-G-A. GRCh37 (hg19) VCF-style: chr9-137709683-G-A.
Other names: p.?; c.4230+6G>A (NM_001278074.1).
Identifiers: ClinVar variation 136893 (VCV000136893.42), dbSNP rs77176843, ClinGen allele CA290280.